The following is an entry in ClinVar:

ClinVar aggregate classification (germline): Likely benign. Review status: reviewed by expert panel (3 of 4 stars). 8 submissions from 8 submitters: Likely benign (1). 7 of the submissions do not count toward it. Last evaluated 2017-06-29.

Conditions:
BRCA2-related cancer predisposition. Identifiers: MedGen CN377758, MONDO:0700269.
Hereditary breast ovarian cancer syndrome. Also called: Hereditary breast and ovarian cancer; Hereditary breast and ovarian cancer syndrome; Breast and ovarian cancer; Hereditary breast and ovarian cancer syndrome (HBOC); Hereditary breast and/or ovarian cancer syndrome; BRCA1- and BRCA2-Associated Hereditary Breast and Ovarian Cancer. Identifiers: Orphanet 145, MedGen C0677776, MeSH D061325, MONDO:0003582. Disease mechanism: loss of function.
BRCA2-related disorder. Also called: BRCA2-related condition; BRCA2-related disorders. Identifiers: MedGen CN239275.
Breast-ovarian cancer, familial, susceptibility to, 2 (BROVCA2). Also called: BRCA2 Hereditary Breast and Ovarian Cancer. Identifiers: Orphanet 145, MedGen C2675520, MONDO:0012933, OMIM 612555. Disease mechanism: loss of function.
Hereditary cancer-predisposing syndrome. Also called: Hereditary Cancer Syndrome; Neoplastic Syndromes, Hereditary; Tumor predisposition; Hereditary neoplastic syndrome. Identifiers: Orphanet 140162, MedGen C0027672, MeSH D009386, MONDO:0015356.

gnomAD v4.1: 11 of 1,593,150 alleles (0.00069%); highest among the groups gnomAD compares: African/African-American, 0.0014%; no homozygotes.

Submissions (8):

Evidence-based Network for the Interpretation of Germline Mutant Alleles (ENIGMA)
Classification: Likely benign for Breast-ovarian cancer, familial, susceptibility to, 2. Last evaluated: 2017-06-29. Review status: reviewed by expert panel. Criteria: ENIGMA BRCA1/2 Classification Criteria (2017-06-29). Collection method: curation. Allele origin: germline.
Comment: Synonymous substitution variant, with low bioinformatic likelihood to result in a splicing aberration (Splicing prior probability 0.02).

Labcorp Genetics (formerly Invitae), Labcorp
Classification: Likely benign for Hereditary breast ovarian cancer syndrome. Last evaluated: 2026-01-16. Review status: criteria provided, single submitter. Criteria: Invitae Variant Classification Sherloc (09022015). Collection method: clinical testing. Allele origin: germline. Not counted in ClinVar's aggregate classification.

Women's Health and Genetics/Laboratory Corporation of America, LabCorp
Classification: Likely benign. Last evaluated: 2024-12-06. Review status: criteria provided, single submitter. Criteria: LabCorp Variant Classification Summary - May 2015. Collection method: clinical testing. Allele origin: germline. Not counted in ClinVar's aggregate classification.

All of Us Research Program, National Institutes of Health
Classification: Likely benign for BRCA2-related cancer predisposition. Last evaluated: 2024-08-13. Review status: criteria provided, single submitter. Criteria: ACMG Guidelines, 2015. Collection method: clinical testing. Allele origin: germline. Inheritance: Autosomal dominant inheritance. Observed: 3 variant alleles, 3 heterozygotes. Not counted in ClinVar's aggregate classification.
Comment: This study involves interpretation of variants in research participants for the purpose of population health screening. Participant phenotype was not available at the time of variant classification. Additional details can be found in publication PMID: 35346344, PMCID: PMC8962531

Quest Diagnostics Nichols Institute San Juan Capistrano
Classification: Likely benign. Last evaluated: 2018-12-01. Review status: criteria provided, single submitter. Criteria: Quest Diagnostics criteria. Collection method: clinical testing. Allele origin: germline. Not counted in ClinVar's aggregate classification.

Color Diagnostics, LLC DBA Color Health
Classification: Likely benign for Hereditary cancer-predisposing syndrome. Last evaluated: 2018-03-07. Review status: criteria provided, single submitter. Criteria: ACMG Guidelines, 2015. Collection method: clinical testing. Allele origin: germline. Not counted in ClinVar's aggregate classification.

Ambry Genetics
Classification: Likely benign for Hereditary cancer-predisposing syndrome. Last evaluated: 2014-09-24. Review status: criteria provided, single submitter. Criteria: Ambry Variant Classification Scheme 2023. Collection method: clinical testing. Allele origin: germline. Not counted in ClinVar's aggregate classification.

PreventionGenetics, part of Exact Sciences
Classification: Likely benign for BRCA2-related condition. Last evaluated: 2023-04-27. Review status: no assertion criteria provided. Collection method: clinical testing. Allele origin: germline. Not counted in ClinVar's aggregate classification.
Comment: This variant is classified as likely benign based on ACMG/AMP sequence variant interpretation guidelines (Richards et al. 2015 PMID: 25741868, with internal and published modifications).

NM_000059.4(BRCA2):c.981G>A (p.Lys327=)

Gene: BRCA2 (BRCA2 DNA repair associated; plus strand). Cytogenetic location: 13q13.1.
Variant type: single nucleotide variant.
Coding change: c.981G>A on transcript NM_000059.4 (MANE Select); coding-DNA position 981, G replaced by A.
Protein change: p.Lys327=; no amino-acid change (lysine 327 retained).
Molecular consequence: synonymous variant.
Genome position (GRCh38, 1-based): chr13:32,332,459, G>A. VCF-style: chr13-32332459-G-A. GRCh37 (hg19) VCF-style: chr13-32906596-G-A.
Identifiers: ClinVar variation 186501 (VCV000186501.27), dbSNP rs751890878, ClinGen allele CA026304.